The following is an entry in ClinVar:

NM_018125.4(ARHGEF10L):c.3646G>A (p.Asp1216Asn)

Gene: ARHGEF10L (Rho guanine nucleotide exchange factor 10 like; plus strand). Cytogenetic location: 1p36.13.
Variant type: single nucleotide variant.
Coding change: c.3646G>A on transcript NM_018125.4 (MANE Select); coding-DNA position 3646, G replaced by A.
Protein change: p.Asp1216Asn; replaces aspartic acid 1216 with asparagine.
Molecular consequence: missense variant. On other transcripts: non-coding transcript variant (2).
Genome position (GRCh38, 1-based): chr1:17,697,186, G>A. VCF-style: chr1-17697186-G-A. GRCh37 (hg19) VCF-style: chr1-18023681-G-A.
Other names: c.3529G>A, p.Asp1177Asn (NM_001011722.2); c.3514G>A, p.Asp1172Asn (NM_001319837.2); c.2755G>A, p.Asp919Asn (NM_001319838.1); c.2980G>A, p.Asp994Asn (NM_001328124.1); short protein forms D1216N, D1177N, D994N, D919N, D1172N.
Identifiers: ClinVar variation 224809 (VCV000224809.2), dbSNP rs149908903, ClinGen allele CA357900.
Genomic context (GRCh38, chr1:17,697,186, plus strand): 5'-GCTGATGGCGCAGCTTTGGAGCACAGCGAGGAGGACGGCTCCATTTACGAGATGGCCGAC[G>A]ACCCCGACATCTGGGTGCGCAGCCGGCCCTGCGCCCGCGACGCCCACCGCAAGGAGATTT-3'
Protein context (NP_060595.3, residues 1206-1226): EDGSIYEMAD[Asp1216Asn]PDIWVRSRPC

ClinVar aggregate classification (germline): Likely pathogenic (1 of 4 stars; one submission).

Conditions:
Cerebral visual impairment and intellectual disability.

gnomAD v4.1: 9 of 1,612,064 alleles (0.00056%); highest among the groups gnomAD compares: Admixed American, 0.0017%; no homozygotes.

Submission:

Lupski Lab, Baylor-Hopkins CMG, Baylor College of Medicine
Classification: Likely pathogenic for Cerebral visual impairment and intellectual disability. Last evaluated: 2015-09-09. Review status: criteria provided, single submitter. Criteria: Bosch et al. (EJHG 2015). Collection method: research. Allele origin: de novo. Affected: yes. Observed: 1 variant allele, 1 heterozygote.
Comment: This study shows that diverse genetic causes underlie CVI.